The following is an entry in ClinVar:

ClinVar aggregate classification (germline): Likely benign (1 of 4 stars; one submission).

Conditions:
PIK3C2B-related disorder. Also called: PIK3C2B-related condition.

gnomAD v4.1: 1,079 of 1,610,920 alleles (0.067%); highest among the groups gnomAD compares: Admixed American, 0.17%; 3 homozygotes.

Submission:

PreventionGenetics, part of Exact Sciences
Classification: Likely benign for PIK3C2B-related condition. Last evaluated: 2025-05-15. Review status: criteria provided, single submitter. Criteria: ACMG Guidelines, 2015. Collection method: clinical testing. Allele origin: germline.
Comment: This variant is classified as likely benign based on ACMG/AMP sequence variant interpretation guidelines (Richards et al. 2015 PMID: 25741868, with internal and published modifications).

NM_001377334.1(PIK3C2B):c.2248G>A (p.Gly750Ser)

Gene: PIK3C2B (phosphatidylinositol-4-phosphate 3-kinase catalytic subunit type 2 beta; minus strand). Cytogenetic location: 1q32.1.
Variant type: single nucleotide variant.
Coding change: c.2248G>A on transcript NM_001377334.1 (MANE Select); coding-DNA position 2248, G replaced by A.
Protein change: p.Gly750Ser; replaces glycine 750 with serine.
Molecular consequence: missense variant.
Genome position (GRCh38, 1-based): chr1:204,449,283, C>T on the plus strand (G>A on the coding strand, the complement: PIK3C2B is on the minus strand). VCF-style: chr1-204449283-C-T. GRCh37 (hg19) VCF-style: chr1-204418411-C-T.
Other names: c.2248G>A, p.Gly750Ser (NM_001377335.1, NM_002646.4); short protein forms G750S.
Identifiers: ClinVar variation 4979869 (VCV004979869.1).